The following is an entry in ClinVar:

ClinVar aggregate classification (germline): Conflicting classifications of pathogenicity. Review status: criteria provided, conflicting classifications (1 of 4 stars). 7 submissions from 7 submitters: Uncertain significance (6); Likely benign (1). Last evaluated 2025-10-08.

Conditions:
PKHD1-related disorder. Also called: PKHD1-related condition.
Autosomal recessive polycystic kidney disease (ARPKD). Also called: AR polycystic kidney disease. Identifiers: Orphanet 731, Orphanet 8378, MedGen C0085548, MeSH D017044, MONDO:0009889.
Polycystic kidney disease 4 (PKD4). Also called: POLYCYSTIC KIDNEY AND HEPATIC DISEASE 1; POLYCYSTIC KIDNEY DISEASE, INFANTILE, TYPE I; POLYCYSTIC KIDNEY DISEASE 4 WITH OR WITHOUT POLYCYSTIC LIVER DISEASE; PKD3; Autosomal Recessive Polycystic Kidney Disease – PKHD1. Identifiers: MedGen C4540575, MONDO:0033004, OMIM 263200.
Inborn genetic diseases. Identifiers: MedGen C0950123, MeSH D030342.

Allele frequency attached by ClinVar (database versions not stated): gnomAD exomes 0.00003 and 0.00005; ExAC 0.00007; ESP Exome Variant Server 0.00015; gnomAD 0.00015 and 0.00017; TOPMed 0.00023.
gnomAD v4.1: 74 of 1,614,050 alleles (0.0046%); highest among the groups gnomAD compares: African/African-American, 0.041%; no homozygotes.

Submissions (7):

PreventionGenetics, part of Exact Sciences
Classification: Uncertain significance for PKHD1-related condition. Last evaluated: 2025-10-08. Review status: criteria provided, single submitter. Criteria: ACMG Guidelines, 2015. Collection method: clinical testing. Allele origin: germline.
Comment: The PKHD1 c.4169G>A variant is predicted to result in the amino acid substitution p.Arg1390Gln. To our knowledge, this variant has not been reported in the literature. This variant is reported in 0.028% of alleles in individuals of African descent in gnomAD. At this time, the clinical significance of this variant is uncertain due to the absence of conclusive functional and genetic evidence.

Fulgent Genetics
Classification: Uncertain significance for Polycystic kidney disease 4. Last evaluated: 2024-04-23. Review status: criteria provided, single submitter. Criteria: ACMG Guidelines, 2015. Collection method: clinical testing. Allele origin: germline.

Ambry Genetics
Classification: Likely benign for Inborn genetic diseases. Last evaluated: 2023-12-16. Review status: criteria provided, single submitter. Criteria: Ambry Variant Classification Scheme 2023. Collection method: clinical testing. Allele origin: germline.

GeneDx
Classification: Uncertain significance. Last evaluated: 2022-04-29. Review status: criteria provided, single submitter. Criteria: GeneDx Variant Classification Process June 2021. Collection method: clinical testing. Allele origin: germline. Affected: yes.
Comment: In silico analysis supports that this missense variant does not alter protein structure/function; Has not been previously published as pathogenic or benign to our knowledge

Labcorp Genetics (formerly Invitae), Labcorp
Classification: Uncertain significance for Autosomal recessive polycystic kidney disease. Last evaluated: 2021-08-26. Review status: criteria provided, single submitter. Criteria: Invitae Variant Classification Sherloc (09022015). Collection method: clinical testing. Allele origin: germline.
Comment: This sequence change replaces arginine with glutamine at codon 1390 of the PKHD1 protein (p.Arg1390Gln). The arginine residue is weakly conserved and there is a small physicochemical difference between arginine and glutamine. This variant is present in population databases (rs139063552, ExAC 0.04%). This variant has not been reported in the literature in individuals affected with PKHD1-related conditions. ClinVar contains an entry for this variant (Variation ID: 289823). Algorithms developed to predict the effect of missense changes on protein structure and function output the following: SIFT: "Tolerated"; PolyPhen-2: "Benign"; Align-GVGD: "Class C0". The glutamine amino acid residue is found in multiple mammalian species, which suggests that this missense change does not adversely affect protein function. In summary, the available evidence is currently insufficient to determine the role of this variant in disease. Therefore, it has been classified as a Variant of Uncertain Significance.

Illumina Laboratory Services, Illumina
Classification: Uncertain significance for Polycystic kidney disease 4. Last evaluated: 2018-01-13. Review status: criteria provided, single submitter. Criteria: ICSL Variant Classification Criteria 13 December 2019. Collection method: clinical testing. Allele origin: germline.

Eurofins Ntd Llc (ga)
Classification: Uncertain significance. Last evaluated: 2016-07-26. Review status: criteria provided, single submitter. Criteria: EGL Classification Definitions 2015. Collection method: clinical testing. Allele origin: germline. Observed: 2 variant alleles, 2 heterozygotes.

NM_138694.4(PKHD1):c.4169G>A (p.Arg1390Gln)

Gene: PKHD1 (PKHD1 ciliary IPT domain containing fibrocystin/polyductin; minus strand). Cytogenetic location: 6p12.2.
Variant type: single nucleotide variant.
Coding change: c.4169G>A on transcript NM_138694.4 (MANE Select); coding-DNA position 4169, G replaced by A.
Protein change: p.Arg1390Gln; replaces arginine 1390 with glutamine.
Molecular consequence: missense variant.
Genome position (GRCh38, 1-based): chr6:52,025,641, C>T on the plus strand (G>A on the coding strand, the complement: PKHD1 is on the minus strand). VCF-style: chr6-52025641-C-T. GRCh37 (hg19) VCF-style: chr6-51890439-C-T.
Other names: c.4169G>A, p.Arg1390Gln (NM_170724.3); short protein forms R1390Q.
Identifiers: ClinVar variation 289823 (VCV000289823.16), dbSNP rs139063552, ClinGen allele CA3852766.